The following is an entry in ClinVar:

NM_003664.5(AP3B1):c.403G>A (p.Ala135Thr)

Gene: AP3B1 (adaptor related protein complex 3 subunit beta 1; minus strand). Cytogenetic location: 5q14.1.
Variant type: single nucleotide variant.
Coding change: c.403G>A on transcript NM_003664.5 (MANE Select); coding-DNA position 403, G replaced by A.
Protein change: p.Ala135Thr; replaces alanine 135 with threonine.
Molecular consequence: missense variant.
Genome position (GRCh38, 1-based): chr5:78,227,505, C>T on the plus strand (G>A on the coding strand, the complement: AP3B1 is on the minus strand). VCF-style: chr5-78227505-C-T. GRCh37 (hg19) VCF-style: chr5-77523329-C-T.
Other names: p.Ala135Thr; c.256G>A, p.Ala86Thr (NM_001271769.2); c.403G>A (NM_003664.4); short protein forms A135T, A86T.
Identifiers: ClinVar variation 1350006 (VCV001350006.4), dbSNP rs1270734050, ClinGen allele CA360191592.

ClinVar aggregate classification (germline): Uncertain significance. Review status: criteria provided, multiple submitters, no conflicts (2 of 4 stars). 2 submissions from 2 submitters: Uncertain significance (2). Last evaluated 2025-10-06.

Conditions:
Hermansky-Pudlak syndrome 2 (HPS2). Also called: Platelet defects and oculocutaneous albinism. Identifiers: Orphanet 183678, Orphanet 79430, MedGen C1842362, MONDO:0011997, OMIM 608233.

gnomAD v4.1: 2 of 1,613,646 alleles (0.00012%); highest among the groups gnomAD compares: South Asian, 0.0011%; no homozygotes.

Submissions (2):

Mayo Clinic Laboratories, Mayo Clinic
Classification: Uncertain significance. Last evaluated: 2025-10-06. Review status: criteria provided, single submitter. Criteria: ACMG Guidelines, 2015. Collection method: clinical testing. Allele origin: germline. Observed: 1 variant allele.
Comment: PP3, PM2_supporting

Labcorp Genetics (formerly Invitae), Labcorp
Classification: Uncertain significance for Hermansky-Pudlak syndrome 2. Last evaluated: 2021-09-01. Review status: criteria provided, single submitter. Criteria: Invitae Variant Classification Sherloc (09022015). Collection method: clinical testing. Allele origin: germline.